The following is an entry in ClinVar:

ClinVar aggregate classification (germline): Pathogenic (1 of 4 stars; one submission).

Submission:

Labcorp Genetics (formerly Invitae), Labcorp
Classification: Pathogenic. Last evaluated: 2025-10-27. Review status: criteria provided, single submitter. Criteria: Invitae Variant Classification Sherloc (09022015). Collection method: clinical testing. Allele origin: germline.
Comment: This sequence change creates a premature translational stop signal (p.Ala1093Cysfs*25) in the COL2A1 gene. It is expected to result in an absent or disrupted protein product. Loss-of-function variants in COL2A1 are known to be pathogenic (PMID: 20179744). This variant is not present in population databases (gnomAD no frequency). This variant has not been reported in the literature in individuals affected with COL2A1-related conditions. For these reasons, this variant has been classified as Pathogenic.

Literature cited by the submitters: PubMed 20179744.

NC_000012.12:g.47977156dup

Gene: COL2A1 (collagen type II alpha 1 chain; minus strand). Cytogenetic location: 12q13.11.
Variant type: Duplication.
Genome position: GRCh38 VCF-style: chr12-47977153-A-AC. GRCh37 (hg19) VCF-style: chr12-48370936-A-AC.
Identifiers: ClinVar variation 4729744 (VCV004729744.1).